The following is an entry in ClinVar:

ClinVar aggregate classification (germline): Likely benign. Review status: criteria provided, multiple submitters, no conflicts (2 of 4 stars). 3 submissions from 3 submitters: Likely benign (3). Last evaluated 2025-04-28.

Conditions:
Cardiovascular phenotype. Identifiers: MedGen CN230736.

Submissions (3):

Labcorp Genetics (formerly Invitae), Labcorp
Classification: Likely benign. Last evaluated: 2025-04-28. Review status: criteria provided, single submitter. Criteria: Invitae Variant Classification Sherloc (09022015). Collection method: clinical testing. Allele origin: germline.

Mayo Clinic Laboratories, Mayo Clinic
Classification: Likely benign. Last evaluated: 2025-04-22. Review status: criteria provided, single submitter. Criteria: ACMG Guidelines, 2015. Collection method: clinical testing. Allele origin: germline. Observed: 1 variant allele.
Comment: BP4, BP7, PM2_supporting

Ambry Genetics
Classification: Likely benign for Cardiovascular phenotype. Last evaluated: 2020-02-18. Review status: criteria provided, single submitter. Criteria: Ambry Variant Classification Scheme 2023. Collection method: clinical testing. Allele origin: germline.

NM_001367624.2(ZNF469):c.3276C>T (p.Tyr1092=)

Genes: ZNF469 (zinc finger protein 469; plus strand), LOC130059718 (ATAC-STARR-seq lymphoblastoid silent region 7847; plus strand). Cytogenetic location: 16q24.2.
Variant type: single nucleotide variant.
Coding change: c.3276C>T on transcript NM_001367624.2 (MANE Select); coding-DNA position 3276, C replaced by T.
Protein change: p.Tyr1092=; no amino-acid change (tyrosine 1092 retained).
Molecular consequence: synonymous variant.
Genome position (GRCh38, 1-based): chr16:88,430,746, C>T. VCF-style: chr16-88430746-C-T. GRCh37 (hg19) VCF-style: chr16-88497154-C-T.
Other names: NM_001127464.1:c.3192C>T; p.Tyr1092=.
Identifiers: ClinVar variation 1534878 (VCV001534878.11), dbSNP rs2142303696, ClinGen allele CA497354050.